The following is an entry in ClinVar:

ClinVar aggregate classification (germline): Uncertain significance (1 of 4 stars; one submission).

Conditions:
Familial adenomatous polyposis 1 (FAP1). Also called: FAMILIAL ADENOMATOUS POLYPOSIS 1, ATTENUATED; POLYPOSIS, ADENOMATOUS INTESTINAL. Identifiers: MedGen C2713442, MONDO:0021056, OMIM 175100. Disease mechanism: loss of function.

Submission:

Labcorp Genetics (formerly Invitae), Labcorp
Classification: Uncertain significance for Familial adenomatous polyposis 1. Last evaluated: 2023-10-09. Review status: criteria provided, single submitter. Criteria: Invitae Variant Classification Sherloc (09022015). Collection method: clinical testing. Allele origin: germline.
Comment: This variant occurs in a non-coding region of the APC gene. It does not change the encoded amino acid sequence of the APC protein. This variant is not present in population databases (gnomAD no frequency). This variant has not been reported in the literature in individuals affected with APC-related conditions. Experimental studies and prediction algorithms are not available or were not evaluated, and the functional significance of this variant is currently unknown. In summary, the available evidence is currently insufficient to determine the role of this variant in disease. Therefore, it has been classified as a Variant of Uncertain Significance.

NC_000005.10:g.112707351T>G

Gene: APC (APC regulator of Wnt signaling pathway; plus strand). Cytogenetic location: 5q22.2.
Variant type: single nucleotide variant.
Genome position: GRCh38 VCF-style: chr5-112707351-T-G. GRCh37 (hg19) VCF-style: chr5-112043048-T-G.
Identifiers: ClinVar variation 2798886 (VCV002798886.3), dbSNP rs1554060105, ClinGen allele CA2674863397.
Genomic context (GRCh38, chr5:112,707,351, plus strand): 5'-CAGAAGGATCTATTAACTGGGCTGCAGCACAATTCAGAGAAGGCCAGTAAGTGCTGCAAC[T>G]GAGACTCGGCTGCCTAGGCAGCAATGGCTCACGGGACAGAACAGCGAAGCAGTGCCCGGC-3'